The following is an entry in ClinVar:

NM_012479.4(YWHAG):c.713A>G (p.Gln238Arg)

Gene: YWHAG (tyrosine 3-monooxygenase/tryptophan 5-monooxygenase activation protein gamma; minus strand). Cytogenetic location: 7q11.23.
Variant type: single nucleotide variant.
Coding change: c.713A>G on transcript NM_012479.4 (MANE Select); coding-DNA position 713, A replaced by G.
Protein change: p.Gln238Arg; replaces glutamine 238 with arginine.
Molecular consequence: missense variant.
Genome position (GRCh38, 1-based): chr7:76,329,608, T>C on the plus strand (A>G on the coding strand, the complement: YWHAG is on the minus strand). VCF-style: chr7-76329608-T-C. GRCh37 (hg19) VCF-style: chr7-75958925-T-C.
Other names: short protein forms Q238R.
Identifiers: ClinVar variation 4742222 (VCV004742222.1).

ClinVar aggregate classification (germline): Uncertain significance (1 of 4 stars; one submission).

Submission:

Labcorp Genetics (formerly Invitae), Labcorp
Classification: Uncertain significance. Last evaluated: 2025-08-07. Review status: criteria provided, single submitter. Criteria: Invitae Variant Classification Sherloc (09022015). Collection method: clinical testing. Allele origin: germline.
Comment: This sequence change replaces glutamine, which is neutral and polar, with arginine, which is basic and polar, at codon 238 of the YWHAG protein (p.Gln238Arg). This variant is not present in population databases (gnomAD no frequency). This variant has not been reported in the literature in individuals affected with YWHAG-related conditions. Invitae Evidence Modeling of protein sequence and biophysical properties (such as structural, functional, and spatial information, amino acid conservation, physicochemical variation, residue mobility, and thermodynamic stability) indicates that this missense variant is not expected to disrupt YWHAG protein function with a negative predictive value of 80%. In summary, the available evidence is currently insufficient to determine the role of this variant in disease. Therefore, it has been classified as a Variant of Uncertain Significance.